The following is an entry in ClinVar:

NM_000516.7(GNAS):c.761A>T (p.Asn254Ile)

Gene: GNAS (GNAS complex locus; plus strand). Cytogenetic location: 20q13.32.
Variant type: single nucleotide variant.
Coding change: c.761A>T on transcript NM_000516.7 (MANE Select); coding-DNA position 761, A replaced by T.
Protein change: p.Asn254Ile; replaces asparagine 254 with isoleucine.
Molecular consequence: missense variant. On other transcripts: 3 prime UTR variant (2).
Genome position (GRCh38, 1-based): chr20:58,909,726, A>T. VCF-style: chr20-58909726-A-T. GRCh37 (hg19) VCF-style: chr20-57484781-A-T.
Other names: c.764A>T, p.Asn255Ile (NM_001077488.5); c.716A>T, p.Asn239Ile (NM_001077489.4); c.*622A>T (NM_001077490.3); c.584A>T, p.Asn195Ile (NM_001309840.2, NM_001309861.2, NM_001438276.1 and 1 more transcripts); c.665A>T, p.Asn222Ile (NM_001410912.1); c.2645A>T, p.Asn882Ile (NM_001410913.1); c.539A>T, p.Asn180Ile (NM_001438273.1, NM_001438274.1, NM_001438275.1); c.*667A>T (NM_016592.5); and 2 more; short protein forms N195I, N239I, N240I, N254I, N255I, N180I, N222I, N882I.
Identifiers: ClinVar variation 4720040 (VCV004720040.1).
Genomic context (GRCh38, chr20:58,909,726, plus strand): 5'-TTGCTCTCTTTGGTTAAGATGTGACTGCCATCATCTTCGTGGTGGCCAGCAGCAGCTACA[A>T]CATGGTCATCCGGGAGGACAACCAGACCAACCGCCTGCAGGAGGCTCTGAACCTCTTCAA-3'
Protein context (NP_000507.1, residues 244-264): IIFVVASSSY[Asn254Ile]MVIREDNQTN

ClinVar aggregate classification (germline): Uncertain significance (1 of 4 stars; one submission).

Submission:

Labcorp Genetics (formerly Invitae), Labcorp
Classification: Uncertain significance. Last evaluated: 2025-06-01. Review status: criteria provided, single submitter. Criteria: Invitae Variant Classification Sherloc (09022015). Collection method: clinical testing. Allele origin: germline.
Comment: This sequence change replaces asparagine, which is neutral and polar, with isoleucine, which is neutral and non-polar, at codon 254 of the GNAS protein (p.Asn254Ile). This variant is not present in population databases (gnomAD no frequency). This variant has not been reported in the literature in individuals affected with GNAS-related conditions. Invitae Evidence Modeling of protein sequence and biophysical properties (such as structural, functional, and spatial information, amino acid conservation, physicochemical variation, residue mobility, and thermodynamic stability) indicates that this missense variant is expected to disrupt GNAS protein function with a positive predictive value of 95%. In summary, the available evidence is currently insufficient to determine the role of this variant in disease. Therefore, it has been classified as a Variant of Uncertain Significance.